The following is an entry in ClinVar:

ClinVar aggregate classification (germline): Uncertain significance (1 of 4 stars; one submission).

Conditions:
Mucopolysaccharidosis type 6 (MPS6). Also called: N-ACETYLGALACTOSAMINE-4-SULFATASE DEFICIENCY; MPS VI; MPS 6; Maroteaux Lamy syndrome; ARSB DEFICIENCY; ARYLSULFATASE B DEFICIENCY. Identifiers: Orphanet 583, MedGen C0026709, MONDO:0009661, OMIM 253200.

Submission:

Laboratory of Diagnosis and Therapy of Lysosomal Disorders, University of Padova
Classification: Uncertain significance for Mucopolysaccharidosis type 6. Last evaluated: 2018-01-01. Review status: criteria provided, single submitter. Criteria: ACMG Guidelines, 2015. Collection method: curation. Allele origin: germline. Affected: yes.
Comment: Absent from GnomAD (PM2)

Literature cited by the submitters: PubMed 21813902; PubMed 30118150.

NM_000046.5(ARSB):c.1115A>G (p.Asp372Gly)

Gene: ARSB (arylsulfatase B; minus strand). Cytogenetic location: 5q14.1.
Variant type: single nucleotide variant.
Coding change: c.1115A>G on transcript NM_000046.5 (MANE Select); coding-DNA position 1115, A replaced by G.
Protein change: p.Asp372Gly; replaces aspartic acid 372 with glycine.
Molecular consequence: missense variant.
Genome position (GRCh38, 1-based): chr5:78,885,611, T>C on the plus strand (A>G on the coding strand, the complement: ARSB is on the minus strand). VCF-style: chr5-78885611-T-C. GRCh37 (hg19) VCF-style: chr5-78181434-T-C.
Other names: c.1115A>G, p.Asp372Gly (NM_198709.3); short protein forms D372G.
Identifiers: ClinVar variation 559674 (VCV000559674.1), dbSNP rs1554079277, ClinGen allele CA360342750.